The following is an entry in ClinVar:

NM_001098484.3(SLC4A4):c.*628T>G

Gene: SLC4A4 (solute carrier family 4 member 4; plus strand). Cytogenetic location: 4q13.3.
Variant type: single nucleotide variant.
Coding change: c.*628T>G on transcript NM_001098484.3 (MANE Select); 628 bases downstream of the stop codon, T replaced by G.
Molecular consequence: 3 prime UTR variant.
Genome position (GRCh38, 1-based): chr4:71,568,379, T>G. VCF-style: chr4-71568379-T-G. GRCh37 (hg19) VCF-style: chr4-72434096-T-G.
Other names: c.*486T>G (NM_001134742.2); c.*628T>G (NM_003759.4).
Identifiers: ClinVar variation 349567 (VCV000349567.5), dbSNP rs368650087, ClinGen allele CA10621668.

ClinVar aggregate classification (germline): Benign (1 of 4 stars; one submission).

Conditions:
Autosomal recessive proximal renal tubular acidosis (PRTAO). Also called: RTA, PROXIMAL, AUTOSOMAL RECESSIVE; RENAL TUBULAR ACIDOSIS, PROXIMAL, WITH OCULAR ABNORMALITIES AND MENTAL RETARDATION; RENAL TUBULAR ACIDOSIS, PROXIMAL, WITH OCULAR ABNORMALITIES AND IMPAIRED INTELLECTUAL DEVELOPMENT; PROXIMAL RENAL TUBULAR ACIDOSIS-OCULAR ANOMALY SYNDROME. Identifiers: Orphanet 93607, MedGen C1970309, MONDO:0011422, OMIM 604278.

Allele frequency attached by ClinVar (database versions not stated): gnomAD 0.00004 and 0.00144; TOPMed 0.00031; 1000 Genomes Project 30x 0.01031; 1000 Genomes Project 0.01038.

Submission:

Illumina Laboratory Services, Illumina
Classification: Benign for Autosomal recessive proximal renal tubular acidosis. Last evaluated: 2018-01-12. Review status: criteria provided, single submitter. Criteria: ICSL Variant Classification Criteria 13 December 2019. Collection method: clinical testing. Allele origin: germline.
Comment: This variant was observed in the ICSL laboratory as part of a predisposition screen in an ostensibly healthy population. It had not been previously curated by ICSL or reported in the Human Gene Mutation Database (HGMD: prior to June 1st, 2018), and was therefore a candidate for classification through an automated scoring system. Utilizing variant allele frequency, disease prevalence and penetrance estimates, and inheritance mode, an automated score was calculated to assess if this variant is too frequent to cause the disease. Based on the score and internal cut-off values, a variant classified as benign is not then subjected to further curation. The score for this variant resulted in a classification of benign for this disease.